The following is an entry in ClinVar:

NM_022787.4(NMNAT1):c.599C>T (p.Ser200Leu)

Gene: NMNAT1 (nicotinamide nucleotide adenylyltransferase 1; plus strand). Cytogenetic location: 1p36.22.
Variant type: single nucleotide variant.
Coding change: c.599C>T on transcript NM_022787.4 (MANE Select); coding-DNA position 599, C replaced by T.
Protein change: p.Ser200Leu; replaces serine 200 with leucine.
Molecular consequence: missense variant.
Genome position (GRCh38, 1-based): chr1:9,982,460, C>T. VCF-style: chr1-9982460-C-T. GRCh37 (hg19) VCF-style: chr1-10042518-C-T.
Other names: c.599C>T, p.Ser200Leu (NM_001297778.1); short protein forms S200L.
Identifiers: ClinVar variation 956369 (VCV000956369.6), dbSNP rs762655133, ClinGen allele CA579291.
Genomic context (GRCh38, chr1:9,982,460, plus strand): 5'-ACTATGGGCTCATATGTGTTACTCGGGCTGGAAATGATGCTCAGAAGTTTATCTATGAAT[C>T]GGATGTGCTGTGGAAACACCGGAGCAACATTCACGTGGTGAATGAATGGATCGCTAATGA-3'
Protein context (NP_073624.2, residues 190-210): GNDAQKFIYE[Ser200Leu]DVLWKHRSNI

ClinVar aggregate classification (germline): Uncertain significance. Review status: criteria provided, multiple submitters, no conflicts (2 of 4 stars). 2 submissions from 2 submitters: Uncertain significance (2). Last evaluated 2024-11-26.

Conditions:
Leber congenital amaurosis 9 (LCA9). Also called: LCA 9; Amaurosis congenita of Leber, type 9; LCA9 Leber Congenital Amaurosis. Identifiers: Orphanet 65, MedGen C1837873, MONDO:0012056, OMIM 608553.

Allele frequency attached by ClinVar (database versions not stated): ExAC 0.00002; TOPMed 0.00002; gnomAD 0.00003; gnomAD exomes 0.00003; 1000 Genomes Project 30x 0.00016.
gnomAD v4.1: 46 of 1,614,112 alleles (0.0028%); highest among the groups gnomAD compares: Non-Finnish European, 0.0032%; no homozygotes.

Submissions (2):

Blueprint Genetics
Classification: Uncertain significance. Last evaluated: 2024-11-26. Review status: criteria provided, single submitter. Criteria: ACMG Guidelines, 2015. Collection method: clinical testing. Allele origin: germline.

Labcorp Genetics (formerly Invitae), Labcorp
Classification: Uncertain significance for Leber congenital amaurosis 9. Last evaluated: 2021-10-10. Review status: criteria provided, single submitter. Criteria: Invitae Variant Classification Sherloc (09022015). Collection method: clinical testing. Allele origin: germline.
Comment: In summary, the available evidence is currently insufficient to determine the role of this variant in disease. Therefore, it has been classified as a Variant of Uncertain Significance. Algorithms developed to predict the effect of missense changes on protein structure and function are either unavailable or do not agree on the potential impact of this missense change (SIFT: "Deleterious"; PolyPhen-2: "Probably Damaging"; Align-GVGD: "Class C0"). This variant has not been reported in the literature in individuals affected with NMNAT1-related conditions. This variant is present in population databases (rs762655133, ExAC 0.004%). This sequence change replaces serine with leucine at codon 200 of the NMNAT1 protein (p.Ser200Leu). The serine residue is highly conserved and there is a large physicochemical difference between serine and leucine.